The following is an entry in ClinVar:

NM_024577.4(SH3TC2):c.287C>T (p.Ser96Leu)

Gene: SH3TC2 (SH3 domain and tetratricopeptide repeats 2; minus strand). Cytogenetic location: 5q32.
Variant type: single nucleotide variant.
Coding change: c.287C>T on transcript NM_024577.4 (MANE Select); coding-DNA position 287, C replaced by T.
Protein change: p.Ser96Leu; replaces serine 96 with leucine.
Molecular consequence: missense variant.
Genome position (GRCh38, 1-based): chr5:149,044,631, G>A on the plus strand (C>T on the coding strand, the complement: SH3TC2 is on the minus strand). VCF-style: chr5-149044631-G-A. GRCh37 (hg19) VCF-style: chr5-148424194-G-A.
Other names: c.287C>T (NM_024577.3); short protein forms S96L.
Identifiers: ClinVar variation 1184502 (VCV001184502.3), dbSNP rs2127401458, ClinGen allele CA361677017.

ClinVar aggregate classification (germline): Uncertain significance. Review status: criteria provided, single submitter (1 of 4 stars). 2 submissions from 2 submitters: Uncertain significance (1). 1 of the submissions does not count toward it. Last evaluated 2023-07-27.

Conditions:
Charcot-Marie-Tooth disease type 4C (CMT4C). Also called: SH3TC2-Related Hereditary Motor and Sensory Neuropathy; Charcot-Marie-Tooth Neuropathy Type 4C (CMT4C); CHARCOT-MARIE-TOOTH DISEASE, DEMYELINATING, TYPE 4C; CHARCOT-MARIE-TOOTH DISEASE, DEMYELINATING, AUTOSOMAL RECESSIVE, TYPE 4C; CMT 4C. Identifiers: Orphanet 99949, MedGen C1866636, MONDO:0011113, OMIM 601596.

Allele frequency attached by ClinVar (database versions not stated): gnomAD exomes below 0.00001.
gnomAD v4.1: 1 of 1,613,814 alleles (0.000062%); highest among the groups gnomAD compares: Non-Finnish European, 0.000085%; no homozygotes.

Submissions (2):

Women's Health and Genetics/Laboratory Corporation of America, LabCorp
Classification: Uncertain significance. Last evaluated: 2023-07-27. Review status: criteria provided, single submitter. Criteria: LabCorp Variant Classification Summary - May 2015. Collection method: clinical testing. Allele origin: germline.
Comment: Variant summary: SH3TC2 c.287C>T (p.Ser96Leu) results in a non-conservative amino acid change in the encoded protein sequence. Five of five in-silico tools predict a damaging effect of the variant on protein function. The variant was absent in 251214 control chromosomes. The available data on variant occurrences in the general population are insufficient to allow any conclusion about variant significance. c.287C>T has been reported in the literature in an individual affected with CMT1 (Antoniadi_2015). These reports do not provide unequivocal conclusions about association of the variant with Charcot-Marie Disease Type 4C. To our knowledge, no experimental evidence demonstrating an impact on protein function has been reported. The following publication have been ascertained in the context of this evaluation (PMID: 26392352). No submitters have cited clinical-significance assessments for this variant to ClinVar after 2014. Based on the evidence outlined above, the variant was classified as uncertain significance.

Genomics England Pilot Project, Genomics England
Classification: Pathogenic for Charcot-Marie-Tooth disease type 4C. Review status: no assertion criteria provided. Criteria: ACGS Guidelines, 2016. Collection method: clinical testing. Allele origin: germline. Affected: yes. Not counted in ClinVar's aggregate classification.

Literature cited by the submitters: PubMed 26392352 (cited by Women's Health and Genetics/Laboratory Corporation of America, LabCorp).